The following is an entry in ClinVar:

ClinVar aggregate classification (germline): Uncertain significance (1 of 4 stars; one submission).

Conditions:
Blau syndrome (BLAUS). Also called: GRANULOMATOSIS, FAMILIAL JUVENILE SYSTEMIC; GRANULOMATOSIS, FAMILIAL, BLAU TYPE; GRANULOMATOUS INFLAMMATORY ARTHRITIS, DERMATITIS, AND UVEITIS, FAMILIAL; JABS SYNDROME; ARTHROCUTANEOUVEAL GRANULOMATOSIS. Identifiers: Orphanet 90340, MedGen C5201146, MONDO:0008523, OMIM 186580.
Regional enteritis. Also called: Enteritis, Granulomatous. Identifiers: MedGen C0678202, MeSH D003424.

Submission:

Labcorp Genetics (formerly Invitae), Labcorp
Classification: Uncertain significance for Regional enteritis; Blau syndrome. Last evaluated: 2020-08-22. Review status: criteria provided, single submitter. Criteria: Invitae Variant Classification Sherloc (09022015). Collection method: clinical testing. Allele origin: germline.
Comment: This variant has not been reported in the literature in individuals with NOD2-related conditions. In summary, the available evidence is currently insufficient to determine the role of this variant in disease. Therefore, it has been classified as a Variant of Uncertain Significance. Algorithms developed to predict the effect of sequence changes on RNA splicing suggest that this variant is not likely to affect RNA splicing, but this prediction has not been confirmed by published transcriptional studies. This variant is not present in population databases (ExAC no frequency). This sequence change affects codon 989 of the NOD2 mRNA. It is a 'silent' change, meaning that it does not change the encoded amino acid sequence of the NOD2 protein.

NM_001370466.1(NOD2):c.2886G>A (p.Lys962=)

Genes: CYLD-AS1 (CYLD antisense RNA 1; minus strand), NOD2 (nucleotide binding oligomerization domain containing 2; plus strand). Cytogenetic location: 16q12.1.
Variant type: single nucleotide variant.
Coding change: c.2886G>A on transcript NM_001370466.1 (MANE Select); coding-DNA position 2886, G replaced by A.
Protein change: p.Lys962=; no amino-acid change (lysine 962 retained).
Molecular consequence: synonymous variant. On other transcripts: non-coding transcript variant (1).
Genome position (GRCh38, 1-based): chr16:50,729,818, G>A. VCF-style: chr16-50729818-G-A. GRCh37 (hg19) VCF-style: chr16-50763729-G-A.
Other names: c.2886G>A, p.Lys962= (NM_001293557.2); c.2967G>A, p.Lys989= (NM_022162.3).
Identifiers: ClinVar variation 1041706 (VCV001041706.9), dbSNP rs1965389837, ClinGen allele CA495478987.